The following is an entry in ClinVar:

ClinVar aggregate classification (germline): Pathogenic/Likely pathogenic. Review status: criteria provided, multiple submitters, no conflicts (2 of 4 stars). 3 submissions from 3 submitters: Pathogenic (1); Likely pathogenic (1). 1 of the submissions does not count toward it. Last evaluated 2022-09-13.

Conditions:
Hereditary spastic paraplegia 2 (SPG2). Also called: SPASTIC PARAPLEGIA 2, X-LINKED; Spastic Paraplegia 2 (SPG2). Identifiers: Orphanet 99015, MedGen C0751604, MONDO:0010733, OMIM 312920.
Pelizaeus-Merzbacher disease. Also called: Pelizeaus-Merzbacher spectrum disorder; LEUKODYSTROPHY, HYPOMYELINATING, 1; Sudanophilic leukodystrophy; Pelizaeus-Merzbacher spectrum disorder; Pelizaeus-Merzbacher Disease (PMD). Identifiers: Orphanet 702, MedGen C0205711, MONDO:0010714, OMIM 312080, HP:0003269.

Submissions (3):

Labcorp Genetics (formerly Invitae), Labcorp
Classification: Pathogenic for Hereditary spastic paraplegia 2. Last evaluated: 2022-09-13. Review status: criteria provided, single submitter. Criteria: Invitae Variant Classification Sherloc (09022015). Collection method: clinical testing. Allele origin: germline.
Comment: ClinVar contains an entry for this variant (Variation ID: 11085). This missense change has been observed in individuals with PLP1-related conditions (PMID: 7522741, 19955111, 24139698). It has also been observed to segregate with disease in related individuals. This variant is not present in population databases (gnomAD no frequency). This sequence change replaces isoleucine, which is neutral and non-polar, with threonine, which is neutral and polar, at codon 187 of the PLP1 protein (p.Ile187Thr). Advanced modeling of protein sequence and biophysical properties (such as structural, functional, and spatial information, amino acid conservation, physicochemical variation, residue mobility, and thermodynamic stability) performed at Invitae indicates that this missense variant is not expected to disrupt PLP1 protein function. Experimental studies have shown that this missense change affects PLP1 function (PMID: 23344956). For these reasons, this variant has been classified as Pathogenic.

Molecular Diagnostics Lab, Nemours Children's Health, Delaware
Classification: Likely pathogenic for Pelizaeus-Merzbacher disease. Last evaluated: 2021-12-15. Review status: criteria provided, single submitter. Criteria: ACMG Guidelines, 2015. Collection method: clinical testing. Allele origin: maternal, unknown. Inheritance: X-linked inheritance. Affected: yes and no. Observed: 1 heterozygote, 2 hemizygotes.
Comment: This missense variant (c.560T>C, p.Ile187Thr) has not been observed in population databases (gnomAD). It has been described in the literature (PMID 31110947, PMID 28286750, PMID 24575297, PMID 23344956, PMId 9427151, PMID 14745569). Variant prediction programs support a deleterious effect on the protein, although no functional studies have been published. The variant has been observed in affected male siblings and is carried by their mother.

OMIM
Classification: Pathogenic for SPASTIC PARAPLEGIA 2. Last evaluated: 2004-04-01. Review status: no assertion criteria provided. Collection method: literature only. Allele origin: germline. Not counted in ClinVar's aggregate classification.

Literature cited by the submitters: PubMed 7522741 (cited by 3 submitters); PubMed 19955111 (cited by Labcorp Genetics (formerly Invitae), Labcorp); PubMed 24139698 (cited by Labcorp Genetics (formerly Invitae), Labcorp); PubMed 23344956 (cited by Labcorp Genetics (formerly Invitae), Labcorp and Molecular Diagnostics Lab, Nemours Children's Health, Delaware); PubMed 31110947 (cited by Molecular Diagnostics Lab, Nemours Children's Health, Delaware); PubMed 28286750 (cited by Molecular Diagnostics Lab, Nemours Children's Health, Delaware); PubMed 24575297 (cited by Molecular Diagnostics Lab, Nemours Children's Health, Delaware); PubMed 9427151 (cited by Molecular Diagnostics Lab, Nemours Children's Health, Delaware and OMIM); PubMed 14745569 (cited by Molecular Diagnostics Lab, Nemours Children's Health, Delaware and OMIM); PubMed 14452137 (cited by OMIM).

NM_000533.5(PLP1):c.560T>C (p.Ile187Thr)

Genes: RAB9B (RAB9B, member RAS oncogene family; minus strand), PLP1 (proteolipid protein 1; plus strand). Cytogenetic location: Xq22.2.
Variant type: single nucleotide variant.
Coding change: c.560T>C on transcript NM_000533.5 (MANE Select); coding-DNA position 560, T replaced by C.
Protein change: p.Ile187Thr; replaces isoleucine 187 with threonine.
Molecular consequence: missense variant.
Genome position (GRCh38, 1-based): chrX:103,787,904, T>C. VCF-style: chrX-103787904-T-C. GRCh37 (hg19) VCF-style: chrX-103042833-T-C.
Other names: I186T; c.560T>C, p.Ile187Thr (NM_001128834.3); c.395T>C, p.Ile132Thr (NM_001305004.1); c.455T>C, p.Ile152Thr (NM_199478.3); short protein forms I152T, I187T, I132T.
Identifiers: ClinVar variation 11085 (VCV000011085.7), dbSNP rs132630288, ClinGen allele CA255701.